The following is an entry in ClinVar:

NM_001384140.1(PCDH15):c.2201C>T (p.Ala734Val)

Gene: PCDH15 (protocadherin related 15; minus strand). Cytogenetic location: 10q21.1.
Variant type: single nucleotide variant.
Coding change: c.2201C>T on transcript NM_001384140.1 (MANE Select); coding-DNA position 2201, C replaced by T.
Protein change: p.Ala734Val; replaces alanine 734 with valine.
Molecular consequence: missense variant.
Genome position (GRCh38, 1-based): chr10:54,066,776, G>A on the plus strand (C>T on the coding strand, the complement: PCDH15 is on the minus strand). VCF-style: chr10-54066776-G-A. GRCh37 (hg19) VCF-style: chr10-55826536-G-A.
Other names: c.2216C>T, p.Ala739Val (NM_001142763.2, NM_001142771.2); c.2201C>T, p.Ala734Val (NM_001142764.2, NM_001142766.2, NM_001142770.3 and 5 more transcripts); c.1988C>T, p.Ala663Val (NM_001142765.2); c.2090C>T, p.Ala697Val (NM_001142767.2); c.2135C>T, p.Ala712Val (NM_001142768.2, NM_001142773.2, NM_001354404.2); c.2237C>T, p.Ala746Val (NM_001142769.4); c.2222C>T, p.Ala741Val (NM_001354411.2); short protein forms A712V, A734V, A739V, A663V, A746V, A697V, A741V.
Identifiers: ClinVar variation 2151007 (VCV002151007.1), dbSNP rs2539766738, ClinGen allele CA376516664.

ClinVar aggregate classification (germline): Uncertain significance (1 of 4 stars; one submission).

gnomAD v4.1: 1 of 1,613,182 alleles (0.000062%); no homozygotes.

Submission:

Labcorp Genetics (formerly Invitae), Labcorp
Classification: Uncertain significance. Last evaluated: 2021-09-24. Review status: criteria provided, single submitter. Criteria: Invitae Variant Classification Sherloc (09022015). Collection method: clinical testing. Allele origin: germline.
Comment: This sequence change replaces alanine with valine at codon 734 of the PCDH15 protein (p.Ala734Val). The alanine residue is highly conserved and there is a small physicochemical difference between alanine and valine. This variant is not present in population databases (ExAC no frequency). This variant has not been reported in the literature in individuals with PCDH15-related conditions. Algorithms developed to predict the effect of missense changes on protein structure and function are either unavailable or do not agree on the potential impact of this missense change (SIFT: "Tolerated"; PolyPhen-2: "Possibly Damaging"; Align-GVGD: "Class C0"). In summary, the available evidence is currently insufficient to determine the role of this variant in disease. Therefore, it has been classified as a Variant of Uncertain Significance.